The following is an entry in ClinVar:

ClinVar aggregate classification (germline): Uncertain significance (1 of 4 stars; one submission).

Submission:

GeneDx
Classification: Uncertain significance. Last evaluated: 2024-06-23. Review status: criteria provided, single submitter. Criteria: GeneDx Variant Classification Process June 2021. Collection method: clinical testing. Allele origin: germline. Affected: yes.
Comment: Not observed at significant frequency in large population cohorts (gnomAD); Has not been previously published as pathogenic or benign to our knowledge; Frameshift variant predicted to result in protein truncation or nonsense mediated decay in a gene for which loss-of-function is not an established mechanism of disease

NM_014846.4(WASHC5):c.2814_2815del (p.Lys939fs)

Genes: WASHC5 (WASH complex subunit 5; minus strand), WASHC5-AS1 (WASHC5 antisense RNA 1; plus strand). Cytogenetic location: 8q24.13.
Variant type: Deletion.
Coding change: c.2814_2815del on transcript NM_014846.4 (MANE Select); coding-DNA positions 2814 to 2815, 2 bases deleted (GA; older notation c.2814_2815delGA).
Protein change: p.Lys939fs; shifts the reading frame from lysine 939.
Molecular consequence: frameshift variant.
Genome position (GRCh38, 1-based): chr8:125,043,860-125,043,861, TC deleted on the plus strand (GA on the coding strand, the reverse complement: WASHC5 is on the minus strand); deleting any 2 consecutive bases within chr8:125,043,860-125,043,862 gives the same sequence; the c. name uses the placement nearest the transcript's 3' end. VCF-style (leftmost placement, unchanged base first): chr8-125043859-TTC-T. GRCh37 (hg19) VCF-style: chr8-126056101-TTC-T.
Other names: c.2370_2371del, p.Lys791fs (NM_001330609.2); short protein forms K791fs, K939fs.
Identifiers: ClinVar variation 3391462 (VCV003391462.1).
Genomic context (GRCh38, chr8:125,043,859, plus strand): 5'-TGTACACCCTCTCTTCTACAACATACCTTCATTATAGCCTCGAGATACGCAGTCCAAATC[TTC>T]TGTGTTTTGGCAATGGCGGAAAAATAAATTTTATTTGAATTTGCTGAAAAGTTAAAACAT-3'